The following is an entry in ClinVar:

ClinVar aggregate classification (germline): Uncertain significance (1 of 4 stars; one submission).

Allele frequency attached by ClinVar (database versions not stated): gnomAD exomes below 0.00001.
gnomAD v4.1: 1 of 1,614,224 alleles (0.000062%); highest among the groups gnomAD compares: Non-Finnish European, 0.000085%; no homozygotes.

Submission:

Labcorp Genetics (formerly Invitae), Labcorp
Classification: Uncertain significance. Last evaluated: 2022-02-17. Review status: criteria provided, single submitter. Criteria: Invitae Variant Classification Sherloc (09022015). Collection method: clinical testing. Allele origin: germline.
Comment: This sequence change replaces alanine, which is neutral and non-polar, with valine, which is neutral and non-polar, at codon 122 of the COL7A1 protein (p.Ala122Val). This variant is not present in population databases (gnomAD no frequency). This variant has not been reported in the literature in individuals affected with COL7A1-related conditions. Advanced modeling of protein sequence and biophysical properties (such as structural, functional, and spatial information, amino acid conservation, physicochemical variation, residue mobility, and thermodynamic stability) performed at Invitae indicates that this missense variant is expected to disrupt COL7A1 protein function. In summary, the available evidence is currently insufficient to determine the role of this variant in disease. Therefore, it has been classified as a Variant of Uncertain Significance.

NM_000094.4(COL7A1):c.365C>T (p.Ala122Val)

Gene: COL7A1 (collagen type VII alpha 1 chain; minus strand). Cytogenetic location: 3p21.31.
Variant type: single nucleotide variant.
Coding change: c.365C>T on transcript NM_000094.4 (MANE Select); coding-DNA position 365, C replaced by T.
Protein change: p.Ala122Val; replaces alanine 122 with valine.
Molecular consequence: missense variant.
Genome position (GRCh38, 1-based): chr3:48,593,598, G>A on the plus strand (C>T on the coding strand, the complement: COL7A1 is on the minus strand). VCF-style: chr3-48593598-G-A. GRCh37 (hg19) VCF-style: chr3-48631031-G-A.
Other names: short protein forms A122V.
Identifiers: ClinVar variation 2171712 (VCV002171712.4), dbSNP rs2531351030, ClinGen allele CA352748259.